The following is an entry in ClinVar:

ClinVar aggregate classification (germline): Pathogenic (1 of 4 stars; one submission).

Submission:

Labcorp Genetics (formerly Invitae), Labcorp
Classification: Pathogenic. Last evaluated: 2023-02-16. Review status: criteria provided, single submitter. Criteria: Invitae Variant Classification Sherloc (09022015). Collection method: clinical testing. Allele origin: germline.
Comment: For these reasons, this variant has been classified as Pathogenic. This variant disrupts a region of the KCNJ11 protein in which other variant(s) (p.Arg301Pro) have been determined to be pathogenic (PMID: 18250167, 21115269, 28787272). This suggests that this is a clinically significant region of the protein, and that variants that disrupt it are likely to be disease-causing. This variant has not been reported in the literature in individuals affected with KCNJ11-related conditions. This variant is not present in population databases (gnomAD no frequency). This sequence change creates a premature translational stop signal (p.Thr106Metfs*24) in the KCNJ11 gene. While this is not anticipated to result in nonsense mediated decay, it is expected to disrupt the last 285 amino acid(s) of the KCNJ11 protein.

Literature cited by the submitters: PubMed 18250167; PubMed 21115269; PubMed 28787272.

NM_000525.4(KCNJ11):c.317del (p.Thr106fs)

Gene: KCNJ11 (potassium inwardly rectifying channel subfamily J member 11; minus strand). Cytogenetic location: 11p15.1.
Variant type: Deletion.
Coding change: c.317del on transcript NM_000525.4 (MANE Select); coding-DNA position 317, one base deleted (C; older notation c.317delC).
Protein change: p.Thr106fs; shifts the reading frame from threonine 106.
Molecular consequence: frameshift variant.
Genome position (GRCh38, 1-based): chr11:17,387,775, G deleted on the plus strand (C on the coding strand, the reverse complement: KCNJ11 is on the minus strand). VCF-style (leftmost placement, unchanged base first): chr11-17387774-AG-A. GRCh37 (hg19) VCF-style: chr11-17409321-AG-A.
Other names: c.56del, p.Thr19fs (NM_001166290.2, NM_001377296.1, NM_001377297.1); short protein forms T106fs, T19fs.
Identifiers: ClinVar variation 2834748 (VCV002834748.3), dbSNP rs2496411268, ClinGen allele CA2739276316.
Genomic context (GRCh38, chr11:17,387,774, plus strand): 5'-CTCAATGGAGAAAAGGAAGGCAGACGAGAAGGAGTGGATGCTGGTGACACAGGGCTCAGC[AG>A]TGCCCTCGCTGGGGGCCAGGTCACCGTGGGCGAAGGCGATGAGCCACCAGGCCATGGCGA-3'